The following is an entry in ClinVar:

ClinVar aggregate classification (germline): Conflicting classifications of pathogenicity. Review status: criteria provided, conflicting classifications (1 of 4 stars). 3 submissions from 3 submitters: Likely pathogenic (1); Uncertain significance (2). Last evaluated 2024-02-07.

Conditions:
Hearing impairment. Also called: Impaired Hearing. Identifiers: MedGen C1384666, MONDO:0005365, HP:0000365.

Allele frequency attached by ClinVar (database versions not stated): gnomAD exomes below 0.00001; gnomAD 0.00001; TOPMed 0.00001.
gnomAD v4.1: 7 of 1,613,948 alleles (0.00043%); highest among the groups gnomAD compares: Non-Finnish European, 0.00059%; no homozygotes.

Submissions (3):

GeneDx
Classification: Uncertain significance. Last evaluated: 2024-02-07. Review status: criteria provided, single submitter. Criteria: GeneDx Variant Classification Process June 2021. Collection method: clinical testing. Allele origin: germline. Affected: yes.
Comment: Observed on the opposite allele (in trans) as two missense variants in a patient with hearing loss in published literature (PMID: 29293505); Not observed at significant frequency in large population cohorts (gnomAD); In silico analysis supports that this missense variant has a deleterious effect on protein structure/function; This variant is associated with the following publications: (PMID: 29293505)

Women's Health and Genetics/Laboratory Corporation of America, LabCorp
Classification: Uncertain significance. Last evaluated: 2023-08-22. Review status: criteria provided, single submitter. Criteria: LabCorp Variant Classification Summary - May 2015. Collection method: clinical testing. Allele origin: germline.
Comment: Variant summary: SLC26A4 c.299T>C (p.Leu100Pro) results in a non-conservative amino acid change located in the SulP transporter domain (IPR011547) of the encoded protein sequence. Three of five in-silico tools predict a damaging effect of the variant on protein function. The variant was absent in 251368 control chromosomes (gnomAD v2.1 Exomes dataset). The available data on variant occurrences in the general population are insufficient to allow any conclusion about variant significance. c.299T>C has been reported in the literature in at least one individual affected with non-syndromic hearing loss (e.g., Likar_2018). These data do not allow any conclusion about variant significance. To our knowledge, no experimental evidence demonstrating an impact on protein function has been reported. The following publication was ascertained in the context of this evaluation (PMID: 29293505). One submitter has reported clinical-significance assessments for this variant to ClinVar after 2014 and has classified the variant as likely pathogenic without evidence for independent evaluation. Based on the evidence outlined above, the variant was classified as uncertain significance.

Centre for Mendelian Genomics, University Medical Centre Ljubljana
Classification: Likely pathogenic for Hearing impairment. Last evaluated: 2015-03-27. Review status: criteria provided, single submitter. Criteria: ACMG Guidelines, 2015. Collection method: clinical testing. Allele origin: unknown. Affected: yes.

Literature cited by the submitters: PubMed 29293505 (cited by Women's Health and Genetics/Laboratory Corporation of America, LabCorp).

NM_000441.2(SLC26A4):c.299T>C (p.Leu100Pro)

Gene: SLC26A4 (solute carrier family 26 member 4; plus strand). Cytogenetic location: 7q22.3.
Variant type: single nucleotide variant.
Coding change: c.299T>C on transcript NM_000441.2 (MANE Select); coding-DNA position 299, T replaced by C.
Protein change: p.Leu100Pro; replaces leucine 100 with proline.
Molecular consequence: missense variant.
Genome position (GRCh38, 1-based): chr7:107,663,430, T>C. VCF-style: chr7-107663430-T-C. GRCh37 (hg19) VCF-style: chr7-107303875-T-C.
Other names: short protein forms L100P.
Identifiers: ClinVar variation 373979 (VCV000373979.4), dbSNP rs1057518810, ClinGen allele CA16043422.
Genomic context (GRCh38, chr7:107,663,430, plus strand): 5'-TCAAGGAATGGCTGCTTAGTGACGTCATTTCGGGAGTTAGTACTGGGCTAGTGGCCACGC[T>C]GCAAGGTAAGATGTTGGCAGATTGAGAGTTCTGGTCTCCAGCAGGAGTTTAACACTTCTC-3'
Protein context (NP_000432.1, residues 90-110): SGVSTGLVAT[Leu100Pro]QGMAYALLAA